The following is an entry in ClinVar:

NM_005228.5(EGFR):c.817A>C (p.Thr273Pro)

Gene: EGFR (epidermal growth factor receptor; plus strand). Cytogenetic location: 7p11.2.
Variant type: single nucleotide variant.
Coding change: c.817A>C on transcript NM_005228.5 (MANE Select); coding-DNA position 817, A replaced by C.
Protein change: p.Thr273Pro; replaces threonine 273 with proline.
Molecular consequence: missense variant. On other transcripts: intron variant (1).
Genome position (GRCh38, 1-based): chr7:55,154,080, A>C. VCF-style: chr7-55154080-A-C. GRCh37 (hg19) VCF-style: chr7-55221773-A-C.
Other names: c.682A>C, p.Thr228Pro (NM_001346897.2, NM_001346899.2); c.817A>C, p.Thr273Pro (NM_001346898.2, NM_201282.2, NM_201283.2 and 1 more transcripts); c.658A>C, p.Thr220Pro (NM_001346900.2); c.89-1750A>C (NM_001346941.2); c.817A>C (NM_005228.3); short protein forms T228P, T273P, T220P.
Identifiers: ClinVar variation 1367587 (VCV001367587.10), dbSNP rs1584172616, ClinGen allele CA367577735.

ClinVar aggregate classification (germline): Uncertain significance. Review status: criteria provided, multiple submitters, no conflicts (2 of 4 stars). 2 submissions from 2 submitters: Uncertain significance (2). Last evaluated 2025-04-23.

Conditions:
Hereditary cancer-predisposing syndrome. Also called: Neoplastic Syndromes, Hereditary; Tumor predisposition; Hereditary neoplastic syndrome; Hereditary Cancer Syndrome. Identifiers: Orphanet 140162, MedGen C0027672, MeSH D009386, MONDO:0015356.
EGFR-related lung cancer (EGFR). Identifiers: MedGen CN130014.

Allele frequency attached by ClinVar (database versions not stated): gnomAD exomes below 0.00001; TOPMed below 0.00001.
gnomAD v4.1: 3 of 1,614,082 alleles (0.00019%); highest among the groups gnomAD compares: Non-Finnish European, 0.00025%; no homozygotes.

Submissions (2):

Ambry Genetics
Classification: Uncertain significance for Hereditary cancer-predisposing syndrome. Last evaluated: 2025-04-23. Review status: criteria provided, single submitter. Criteria: Ambry Variant Classification Scheme 2023. Collection method: clinical testing. Allele origin: germline.
Comment: The p.T273P variant (also known as c.817A>C), located in coding exon 7 of the EGFR gene, results from an A to C substitution at nucleotide position 817. The threonine at codon 273 is replaced by proline, an amino acid with highly similar properties. This amino acid position is not well conserved in available vertebrate species. In addition, the in silico prediction for this alteration is inconclusive. Based on the available evidence, the clinical significance of this variant remains unclear.

Labcorp Genetics (formerly Invitae), Labcorp
Classification: Uncertain significance for EGFR-related lung cancer. Last evaluated: 2025-03-12. Review status: criteria provided, single submitter. Criteria: Invitae Variant Classification Sherloc (09022015). Collection method: clinical testing. Allele origin: germline.
Comment: This sequence change replaces threonine, which is neutral and polar, with proline, which is neutral and non-polar, at codon 273 of the EGFR protein (p.Thr273Pro). This variant is not present in population databases (gnomAD no frequency). This variant has not been reported in the literature in individuals affected with EGFR-related conditions. ClinVar contains an entry for this variant (Variation ID: 1367587). Invitae Evidence Modeling of protein sequence and biophysical properties (such as structural, functional, and spatial information, amino acid conservation, physicochemical variation, residue mobility, and thermodynamic stability) indicates that this missense variant is not expected to disrupt EGFR protein function with a negative predictive value of 80%. In summary, the available evidence is currently insufficient to determine the role of this variant in disease. Therefore, it has been classified as a Variant of Uncertain Significance.